The following is an entry in ClinVar:

ClinVar aggregate classification (germline): Uncertain significance. Review status: criteria provided, multiple submitters, no conflicts (2 of 4 stars). 3 submissions from 3 submitters: Uncertain significance (3). Last evaluated 2026-09-01.

Conditions:
OTOG-related disorder. Also called: OTOG-related condition.

Allele frequency attached by ClinVar (database versions not stated): gnomAD exomes 0.00003; TOPMed 0.00003.
gnomAD v4.1: 18 of 1,547,396 alleles (0.0012%); highest among the groups gnomAD compares: Admixed American, 0.033%; no homozygotes.

Submissions (3):

PreventionGenetics, part of Exact Sciences
Classification: Uncertain significance for OTOG-related condition. Last evaluated: 2026-09-01. Review status: criteria provided, single submitter. Criteria: ACMG Guidelines, 2015. Collection method: clinical testing. Allele origin: germline.
Comment: The OTOG c.245G>A variant is predicted to result in the amino acid substitution p.Gly82Glu. To our knowledge, this variant has not been reported in the literature. This variant is reported in 0.054% of alleles in individuals of Latino descent in gnomAD. Although we suspect that this variant may be benign, at this time, the clinical significance of this variant is uncertain due to the absence of conclusive functional and genetic evidence.

Labcorp Genetics (formerly Invitae), Labcorp
Classification: Uncertain significance. Last evaluated: 2024-03-07. Review status: criteria provided, single submitter. Criteria: Invitae Variant Classification Sherloc (09022015). Collection method: clinical testing. Allele origin: germline.
Comment: This sequence change replaces glycine, which is neutral and non-polar, with glutamic acid, which is acidic and polar, at codon 82 of the OTOG protein (p.Gly82Glu). This variant is present in population databases (no rsID available, gnomAD 0.05%). This variant has not been reported in the literature in individuals affected with OTOG-related conditions. Algorithms developed to predict the effect of missense changes on protein structure and function output the following: SIFT: "Not Available"; PolyPhen-2: "Benign"; Align-GVGD: "Not Available". The glutamic acid amino acid residue is found in multiple mammalian species, which suggests that this missense change does not adversely affect protein function. In summary, the available evidence is currently insufficient to determine the role of this variant in disease. Therefore, it has been classified as a Variant of Uncertain Significance.

Blueprint Genetics
Classification: Uncertain significance. Last evaluated: 2019-02-15. Review status: criteria provided, single submitter. Criteria: ACMG Guidelines, 2015. Collection method: clinical testing. Allele origin: germline.

NM_001292063.2(OTOG):c.209G>A (p.Gly70Glu)

Gene: OTOG (otogelin; plus strand). Cytogenetic location: 11p15.1.
Variant type: single nucleotide variant.
Coding change: c.209G>A on transcript NM_001292063.2 (MANE Select); coding-DNA position 209, G replaced by A.
Protein change: p.Gly70Glu; replaces glycine 70 with glutamic acid.
Molecular consequence: missense variant.
Genome position (GRCh38, 1-based): chr11:17,548,205, G>A. VCF-style: chr11-17548205-G-A. GRCh37 (hg19) VCF-style: chr11-17569752-G-A.
Other names: c.245G>A, p.Gly82Glu (NM_001277269.2); c.245G>A (NM_001277269.1); short protein forms G70E, G82E.
Identifiers: ClinVar variation 2721790 (VCV002721790.5), dbSNP rs896480008, ClinGen allele CA218484492.